The following is an entry in ClinVar:

NM_000077.5(CDKN2A):c.395_396dup (p.Ala133fs)

Gene: CDKN2A (cyclin dependent kinase inhibitor 2A; minus strand). Cytogenetic location: 9p21.3.
Variant type: Microsatellite.
Coding change: c.395_396dup on transcript NM_000077.5; coding-DNA positions 395 to 396, 2 bases duplicated (CG; older notation c.395_396dupCG).
Protein change: p.Ala133fs; shifts the reading frame from alanine 133.
Molecular consequence: frameshift variant (on NM_000077.6). On other transcripts: 3 prime UTR variant (2).
Genome position (GRCh38, 1-based): chr9:21,970,963-21,970,964, CG duplicated on the plus strand (CG on the coding strand, the reverse complement: CDKN2A is on the minus strand); duplicating any 2 consecutive bases within chr9:21,970,963-21,970,969 gives the same sequence; the c. name uses the placement nearest the transcript's 3' end. VCF-style (leftmost placement, unchanged base first): chr9-21970962-C-CCG. GRCh37 (hg19) VCF-style: chr9-21970961-C-CCG.
Other names: c.390_391GC[4], p.Ala133Argfs (NM_000077.6); c.395_396dup, p.Ala133fs (NM_001195132.2); c.242_243dup, p.Ala82fs (NM_001363763.2); c.*35CG[4] (NM_058195.4); c.*314CG[4] (NM_058197.5); short protein forms A82fs, A133fs.
Identifiers: ClinVar variation 4728613 (VCV004728613.1).

ClinVar aggregate classification (germline): Uncertain significance (1 of 4 stars; one submission).

Conditions:
Familial melanoma. Also called: Hereditary melanoma; Hereditary cutaneous melanoma. Identifiers: Orphanet 618, MedGen C1512419, MONDO:0018961.

Submission:

Labcorp Genetics (formerly Invitae), Labcorp
Classification: Uncertain significance for Familial melanoma. Last evaluated: 2025-10-07. Review status: criteria provided, single submitter. Criteria: Invitae Variant Classification Sherloc (09022015). Collection method: clinical testing. Allele origin: germline.
Comment: This sequence change creates a premature translational stop signal (p.Ala133Argfs*14) in the CDKN2A (p16INK4a) gene. While this is not anticipated to result in nonsense mediated decay, it is expected to disrupt the last 24 amino acid(s) of the CDKN2A (p16INK4a) protein. This variant is not present in population databases (gnomAD no frequency). This variant has not been reported in the literature in individuals affected with CDKN2A (p16INK4a)-related conditions. Experimental studies and prediction algorithms are not available or were not evaluated, and the functional significance of this variant is currently unknown. In summary, the available evidence is currently insufficient to determine the role of this variant in disease. Therefore, it has been classified as a Variant of Uncertain Significance.